The following is an entry in ClinVar:

ClinVar aggregate classification (germline): Uncertain significance (1 of 4 stars; one submission).

Conditions:
Inborn genetic diseases. Identifiers: MedGen C0950123, MeSH D030342.

Submission:

Ambry Genetics
Classification: Uncertain significance for Inborn genetic diseases. Last evaluated: 2025-07-03. Review status: criteria provided, single submitter. Criteria: Ambry Variant Classification Scheme 2023. Collection method: clinical testing. Allele origin: germline.
Comment: The p.E107D variant (also known as c.321A>C), located in coding exon 4 of the BUB1B gene, results from an A to C substitution at nucleotide position 321. The glutamic acid at codon 107 is replaced by aspartic acid, an amino acid with highly similar properties. This amino acid position is conserved. In addition, this alteration is predicted to be tolerated by in silico analysis. Since supporting evidence is limited at this time, the clinical significance of this alteration remains unclear.

NM_001211.6(BUB1B):c.321A>C (p.Glu107Asp)

Gene: BUB1B (BUB1 mitotic checkpoint serine/threonine kinase B; plus strand). Cytogenetic location: 15q15.1.
Variant type: single nucleotide variant.
Coding change: c.321A>C on transcript NM_001211.6 (MANE Select); coding-DNA position 321, A replaced by C.
Protein change: p.Glu107Asp; replaces glutamic acid 107 with aspartic acid.
Molecular consequence: missense variant.
Genome position (GRCh38, 1-based): chr15:40,170,618, A>C. VCF-style: chr15-40170618-A-C. GRCh37 (hg19) VCF-style: chr15-40462819-A-C.
Other names: short protein forms E107D.
Identifiers: ClinVar variation 1729034 (VCV001729034.3), dbSNP rs2542516845, ClinGen allele CA391679187.